The following is an entry in ClinVar:

ClinVar aggregate classification (germline): Uncertain significance. Review status: criteria provided, multiple submitters, no conflicts (2 of 4 stars). 2 submissions from 2 submitters: Uncertain significance (2). Last evaluated 2023-02-08.

Conditions:
Cardiovascular phenotype. Identifiers: MedGen CN230736.
Dilated cardiomyopathy 1KK (CMD1KK). Identifiers: Orphanet 154, Orphanet 75249, MedGen C3714995, MONDO:0014100, OMIM 615248.

Allele frequency attached by ClinVar (database versions not stated): gnomAD 0.00001.
gnomAD v4.1: 3 of 1,614,154 alleles (0.00019%); highest among the groups gnomAD compares: Middle Eastern, 0.017%; no homozygotes.

Submissions (2):

Ambry Genetics
Classification: Uncertain significance for Cardiovascular phenotype. Last evaluated: 2023-02-08. Review status: criteria provided, single submitter. Criteria: Ambry Variant Classification Scheme 2023. Collection method: clinical testing. Allele origin: germline.
Comment: The p.G45R variant (also known as c.133G>C), located in coding exon 1 of the MYPN gene, results from a G to C substitution at nucleotide position 133. The glycine at codon 45 is replaced by arginine, an amino acid with dissimilar properties. This amino acid position is conserved. In addition, this alteration is predicted to be tolerated by in silico analysis. Since supporting evidence is limited at this time, the clinical significance of this alteration remains unclear.

Labcorp Genetics (formerly Invitae), Labcorp
Classification: Uncertain significance for Dilated cardiomyopathy 1KK. Last evaluated: 2021-08-27. Review status: criteria provided, single submitter. Criteria: Invitae Variant Classification Sherloc (09022015). Collection method: clinical testing. Allele origin: germline.
Comment: In summary, the available evidence is currently insufficient to determine the role of this variant in disease. Therefore, it has been classified as a Variant of Uncertain Significance. Algorithms developed to predict the effect of missense changes on protein structure and function (SIFT, PolyPhen-2, Align-GVGD) all suggest that this variant is likely to be tolerated. This variant has not been reported in the literature in individuals affected with MYPN-related conditions. This variant is not present in population databases (ExAC no frequency). This sequence change replaces glycine with arginine at codon 45 of the MYPN protein (p.Gly45Arg). The glycine residue is weakly conserved and there is a moderate physicochemical difference between glycine and arginine.

NM_032578.4(MYPN):c.133G>C (p.Gly45Arg)

Gene: MYPN (myopalladin; plus strand). Cytogenetic location: 10q21.3.
Variant type: single nucleotide variant.
Coding change: c.133G>C on transcript NM_032578.4 (MANE Select); coding-DNA position 133, G replaced by C.
Protein change: p.Gly45Arg; replaces glycine 45 with arginine.
Molecular consequence: missense variant. On other transcripts: 5 prime UTR variant (1), non-coding transcript variant (1).
Genome position (GRCh38, 1-based): chr10:68,121,571, G>C. VCF-style: chr10-68121571-G-C. GRCh37 (hg19) VCF-style: chr10-69881328-G-C.
Other names: c.133G>C (NM_032578.2); c.133G>C, p.Gly45Arg (NM_001256267.2); c.-990G>C (NM_001256268.2); short protein forms G45R.
Identifiers: ClinVar variation 1404774 (VCV001404774.7), dbSNP rs1297861595, ClinGen allele CA377103675.
Genomic context (GRCh38, chr10:68,121,571, plus strand): 5'-AGACATCGGGGAAACAATGAGAGGAGTCGAGCGGAGCCCTCCTCCAACCCTTGCCATTTC[G>C]GCAGTCCTTCTGGGGCCGCTGAAGGAGGCGGAGGCCAAGATGACCTTCCAGATCTTTCAG-3'
Protein context (NP_115967.2, residues 35-55): AEPSSNPCHF[Gly45Arg]SPSGAAEGGG